The following is an entry in ClinVar:

NM_004168.4(SDHA):c.622-18_622-17delinsC

Gene: SDHA (succinate dehydrogenase complex flavoprotein subunit A; plus strand). Cytogenetic location: 5p15.33.
Variant type: Indel.
Coding change: c.622-18_622-17delinsC on transcript NM_004168.4 (MANE Select); 18 bases into the intron before coding-DNA position 622 through 17 bases into the intron before coding-DNA position 622, TT replaced by C.
Molecular consequence: intron variant.
Genome position (GRCh38, 1-based): chr5:228,167-228,168, TT replaced by C. VCF-style: chr5-228167-TT-C. GRCh37 (hg19) VCF-style: chr5-228282-TT-C.
Other names: c.622-18_622-17delinsC (NM_001330758.2); c.478-18_478-17delinsC (NM_001294332.2).
Identifiers: ClinVar variation 3904626 (VCV003904626.1).
Genomic context (GRCh38, chr5:228,167, plus strand): 5'-TTCACATGAGCAGATACCACCTTAAAACCTTAAAGTTTGGCTTAACACTTCTTGCCCTTT[TT>C]TTTTCCTTTCTTTTAGTCTCTGCGATATGATACCAGCTATTTTGTGGAGTATTTTGCCTT-3'

ClinVar aggregate classification (germline): Likely benign (1 of 4 stars; one submission).

Conditions:
Pheochromocytoma/paraganglioma syndrome 5. Also called: Paragangliomas 5; SDHA-Related Hereditary Paraganglioma-Pheochromocytoma Syndrome. Identifiers: Orphanet 29072, MedGen C3279992, MONDO:0013602, OMIM 614165.

Submission:

Myriad Genetics, Inc.
Classification: Likely benign for Pheochromocytoma/paraganglioma syndrome 5. Last evaluated: 2025-03-03. Review status: criteria provided, single submitter. Criteria: Myriad Autosomal Dominant, Autosomal Recessive and X-Linked Classification Criteria (2023). Collection method: clinical testing. Allele origin: unknown.
Comment: This variant is considered likely benign. This variant is intronic and is not expected to impact mRNA splicing.